The following is an entry in ClinVar:

NM_004855.5(PIGB):c.685T>G (p.Phe229Val)

Gene: PIGB (phosphatidylinositol glycan anchor biosynthesis class B; plus strand). Cytogenetic location: 15q21.3.
Variant type: single nucleotide variant.
Coding change: c.685T>G on transcript NM_004855.5 (MANE Select); coding-DNA position 685, T replaced by G.
Protein change: p.Phe229Val; replaces phenylalanine 229 with valine.
Molecular consequence: missense variant.
Genome position (GRCh38, 1-based): chr15:55,333,898, T>G. VCF-style: chr15-55333898-T-G. GRCh37 (hg19) VCF-style: chr15-55626096-T-G.
Other names: short protein forms F229V.
Identifiers: ClinVar variation 2079590 (VCV002079590.4), dbSNP rs1287420766, ClinGen allele CA392542373.

ClinVar aggregate classification (germline): Uncertain significance (1 of 4 stars; one submission).

Allele frequency attached by ClinVar (database versions not stated): TOPMed below 0.00001; gnomAD 0.00001; gnomAD exomes 0.00001.
gnomAD v4.1: 19 of 1,606,880 alleles (0.0012%); highest among the groups gnomAD compares: Non-Finnish European, 0.0014%; no homozygotes.

Submission:

Labcorp Genetics (formerly Invitae), Labcorp
Classification: Uncertain significance. Last evaluated: 2024-02-24. Review status: criteria provided, single submitter. Criteria: Invitae Variant Classification Sherloc (09022015). Collection method: clinical testing. Allele origin: germline.
Comment: This sequence change replaces phenylalanine, which is neutral and non-polar, with valine, which is neutral and non-polar, at codon 229 of the PIGB protein (p.Phe229Val). This variant is not present in population databases (gnomAD no frequency). This variant has not been reported in the literature in individuals affected with PIGB-related conditions. ClinVar contains an entry for this variant (Variation ID: 2079590). Advanced modeling of protein sequence and biophysical properties (such as structural, functional, and spatial information, amino acid conservation, physicochemical variation, residue mobility, and thermodynamic stability) performed at Invitae indicates that this missense variant is not expected to disrupt PIGB protein function with a negative predictive value of 80%. In summary, the available evidence is currently insufficient to determine the role of this variant in disease. Therefore, it has been classified as a Variant of Uncertain Significance.